The following is an entry in ClinVar:

NM_022132.5(MCCC2):c.1282G>T (p.Ala428Ser)

Gene: MCCC2 (methylcrotonyl-CoA carboxylase subunit 2; plus strand). Cytogenetic location: 5q13.2.
Variant type: single nucleotide variant.
Coding change: c.1282G>T on transcript NM_022132.5 (MANE Select); coding-DNA position 1282, G replaced by T.
Protein change: p.Ala428Ser; replaces alanine 428 with serine.
Molecular consequence: missense variant.
Genome position (GRCh38, 1-based): chr5:71,649,162, G>T. VCF-style: chr5-71649162-G-T. GRCh37 (hg19) VCF-style: chr5-70944989-G-T.
Other names: c.1168G>T, p.Ala390Ser (NM_001363147.1); short protein forms A390S, A428S.
Identifiers: ClinVar variation 5003941 (VCV005003941.1).

ClinVar aggregate classification (germline): Uncertain significance (1 of 4 stars; one submission).

Conditions:
3-methylcrotonyl-CoA carboxylase 2 deficiency. Also called: METHYLCROTONYLGLYCINURIA, TYPE II; 3 alpha methylcrotonyl-CoA carboxylase 2 deficiency; 3 alpha methylcrotonylglycinuria 2; MCC 2 deficiency; Methylcrotonylglycinuria type 2. Identifiers: Orphanet 6, MedGen C1859499, MONDO:0008862, OMIM 210210.

Submission:

Myriad Genetics, Inc.
Classification: Uncertain significance for 3-methylcrotonyl-CoA carboxylase 2 deficiency. Last evaluated: 2026-04-15. Review status: criteria provided, single submitter. Criteria: Myriad Autosomal Dominant, Autosomal Recessive and X-Linked Classification Criteria (2023). Collection method: clinical testing. Allele origin: unknown.
Comment: NM_022132.4(MCCC2):c.1282G>T(A428S) is a missense variant classified as a variant of uncertain significance in the context of 3-methylcrotonyl-CoA carboxylase deficiency, MCCC2-related. A428S has not been observed in cases with relevant disease. Relevant functional assessments of this variant are not available in the literature. A428S has not been observed in referenced population frequency databases. In summary, there is insufficient evidence to classify NM_022132.4(MCCC2):c.1282G>T(A428S) as pathogenic or benign. Please note: this variant was assessed in the context of healthy population screening.